The following is an entry in ClinVar:

ClinVar aggregate classification (germline): Likely benign (1 of 4 stars; one submission).

Allele frequency attached by ClinVar (database versions not stated): gnomAD exomes below 0.00001; gnomAD 0.00007; TOPMed 0.00008.
gnomAD v4.1: 15 of 1,232,078 alleles (0.0012%); highest among the groups gnomAD compares: African/African-American, 0.02%; no homozygotes.

Submission:

CeGaT Center for Human Genetics Tuebingen
Classification: Likely benign. Last evaluated: 2022-07-01. Review status: criteria provided, single submitter. Criteria: CeGaT Center For Human Genetics Tuebingen Variant Classification Criteria Version 2. Collection method: clinical testing. Allele origin: germline. Affected: yes. Observed: 1 variant allele.
Comment: VSIG10L2: BP4, BP7

NM_001365077.2(VSIG10L2):c.1917T>C (p.Ser639=)

Gene: VSIG10L2 (V-set and immunoglobulin domain containing 10 like 2; plus strand). Cytogenetic location: 11q24.2.
Variant type: single nucleotide variant.
Coding change: c.1917T>C on transcript NM_001365077.2 (MANE Select); coding-DNA position 1917, T replaced by C.
Protein change: p.Ser639=; no amino-acid change (serine 639 retained).
Molecular consequence: synonymous variant. On other transcripts: intron variant (2).
Genome position (GRCh38, 1-based): chr11:125,954,217, T>C. VCF-style: chr11-125954217-T-C. GRCh37 (hg19) VCF-style: chr11-125824112-T-C.
Other names: c.345+6T>C (NM_001391971.1); c.221-1398T>C (NM_001391972.1).
Identifiers: ClinVar variation 2642515 (VCV002642515.24), dbSNP rs914730449, ClinGen allele CA230546959.